The following is an entry in ClinVar:

ClinVar aggregate classification (germline): Uncertain significance (1 of 4 stars; one submission).

Conditions:
KSR2-related disorder. Also called: KSR2-related condition.

gnomAD v4.1: 16 of 1,613,708 alleles (0.00099%); highest among the groups gnomAD compares: African/African-American, 0.0013%; no homozygotes.

Submission:

PreventionGenetics, part of Exact Sciences
Classification: Uncertain significance for KSR2-related condition. Last evaluated: 2026-07-13. Review status: criteria provided, single submitter. Criteria: ACMG Guidelines, 2015. Collection method: clinical testing. Allele origin: germline.
Comment: The KSR2 c.1363C>T variant is predicted to result in the amino acid substitution p.Arg455Trp. To our knowledge, this variant has not been reported in the literature. This variant is reported in 0.0099% of alleles in individuals of Ashkenazi Jewish descent in gnomAD. At this time, the clinical significance of this variant is uncertain due to the absence of conclusive functional and genetic evidence.

NM_173598.6(KSR2):c.1450C>T (p.Arg484Trp)

Gene: KSR2 (kinase suppressor of ras 2; minus strand). Cytogenetic location: 12q24.22.
Variant type: single nucleotide variant.
Coding change: c.1450C>T on transcript NM_173598.6 (MANE Select); coding-DNA position 1450, C replaced by T.
Protein change: p.Arg484Trp; replaces arginine 484 with tryptophan.
Molecular consequence: missense variant.
Genome position (GRCh38, 1-based): chr12:117,555,237, G>A on the plus strand (C>T on the coding strand, the complement: KSR2 is on the minus strand). VCF-style: chr12-117555237-G-A. GRCh37 (hg19) VCF-style: chr12-117993042-G-A.
Other names: short protein forms R484W.
Identifiers: ClinVar variation 4984927 (VCV004984927.1).